The following is an entry in ClinVar:

ClinVar aggregate classification (germline): Uncertain significance (1 of 4 stars; one submission).

Conditions:
Distal hereditary motor neuropathy type 2. Identifiers: Orphanet 139525, MedGen C3711384, MeSH C580044, MONDO:0015352.

Allele frequency attached by ClinVar (database versions not stated): ExAC 0.00001; gnomAD exomes 0.00001.
gnomAD v4.1: 21 of 1,614,072 alleles (0.0013%); highest among the groups gnomAD compares: Non-Finnish European, 0.0017%; no homozygotes.

Submission:

Labcorp Genetics (formerly Invitae), Labcorp
Classification: Uncertain significance for Distal hereditary motor neuropathy type 2. Last evaluated: 2024-01-03. Review status: criteria provided, single submitter. Criteria: Invitae Variant Classification Sherloc (09022015). Collection method: clinical testing. Allele origin: germline.
Comment: This sequence change replaces arginine, which is basic and polar, with glutamine, which is neutral and polar, at codon 801 of the FBXO38 protein (p.Arg801Gln). This variant is present in population databases (rs751618541, gnomAD 0.003%). This variant has not been reported in the literature in individuals affected with FBXO38-related conditions. ClinVar contains an entry for this variant (Variation ID: 1443059). Advanced modeling of protein sequence and biophysical properties (such as structural, functional, and spatial information, amino acid conservation, physicochemical variation, residue mobility, and thermodynamic stability) performed at Invitae indicates that this missense variant is not expected to disrupt FBXO38 protein function with a negative predictive value of 80%. In summary, the available evidence is currently insufficient to determine the role of this variant in disease. Therefore, it has been classified as a Variant of Uncertain Significance.

NM_205836.3(FBXO38):c.2402G>A (p.Arg801Gln)

Gene: FBXO38 (F-box protein 38; plus strand). Cytogenetic location: 5q32.
Variant type: single nucleotide variant.
Coding change: c.2402G>A on transcript NM_205836.3 (MANE Select); coding-DNA position 2402, G replaced by A.
Protein change: p.Arg801Gln; replaces arginine 801 with glutamine.
Molecular consequence: missense variant. On other transcripts: intron variant (1).
Genome position (GRCh38, 1-based): chr5:148,427,696, G>A. VCF-style: chr5-148427696-G-A. GRCh37 (hg19) VCF-style: chr5-147807259-G-A.
Other names: c.2402G>A, p.Arg801Gln (NM_030793.5); c.1918+1995G>A (NM_001271723.2); short protein forms R801Q.
Identifiers: ClinVar variation 1443059 (VCV001443059.6), dbSNP rs751618541, ClinGen allele CA3497506.